The following is an entry in ClinVar:

ClinVar aggregate classification (germline): Uncertain significance. Review status: criteria provided, multiple submitters, no conflicts (2 of 4 stars). 2 submissions from 2 submitters: Uncertain significance (2). Last evaluated 2024-04-10.

gnomAD v4.1: 9 of 1,607,274 alleles (0.00056%); highest among the groups gnomAD compares: Middle Eastern, 0.018%; no homozygotes.

Submissions (2):

Blueprint Genetics
Classification: Uncertain significance. Last evaluated: 2024-04-10. Review status: criteria provided, single submitter. Criteria: ACMG Guidelines, 2015. Collection method: clinical testing. Allele origin: germline.

Labcorp Genetics (formerly Invitae), Labcorp
Classification: Uncertain significance. Last evaluated: 2023-11-24. Review status: criteria provided, single submitter. Criteria: Invitae Variant Classification Sherloc (09022015). Collection method: clinical testing. Allele origin: germline.
Comment: This sequence change replaces alanine, which is neutral and non-polar, with valine, which is neutral and non-polar, at codon 245 of the CAPN5 protein (p.Ala245Val). This variant is present in population databases (no rsID available, gnomAD 0.003%). This variant has not been reported in the literature in individuals affected with CAPN5-related conditions. Advanced modeling of protein sequence and biophysical properties (such as structural, functional, and spatial information, amino acid conservation, physicochemical variation, residue mobility, and thermodynamic stability) performed at Invitae indicates that this missense variant is not expected to disrupt CAPN5 protein function with a negative predictive value of 80%. In summary, the available evidence is currently insufficient to determine the role of this variant in disease. Therefore, it has been classified as a Variant of Uncertain Significance.

NM_004055.5(CAPN5):c.734C>T (p.Ala245Val)

Gene: CAPN5 (calpain 5; plus strand). Cytogenetic location: 11q13.5.
Variant type: single nucleotide variant.
Coding change: c.734C>T on transcript NM_004055.5 (MANE Select); coding-DNA position 734, C replaced by T.
Protein change: p.Ala245Val; replaces alanine 245 with valine.
Molecular consequence: missense variant.
Genome position (GRCh38, 1-based): chr11:77,115,429, C>T. VCF-style: chr11-77115429-C-T. GRCh37 (hg19) VCF-style: chr11-76826475-C-T.
Other names: c.854C>T, p.Ala285Val (NM_001425321.1); c.734C>T, p.Ala245Val (NM_001425322.1); c.602C>T, p.Ala201Val (NM_001425323.1); short protein forms A245V, A285V, A201V.
Identifiers: ClinVar variation 2991376 (VCV002991376.4), dbSNP rs1555041542, ClinGen allele CA381938716.